The following is an entry in ClinVar:

NM_001364171.2(ODAD1):c.1462C>T (p.Leu488Phe)

Gene: ODAD1 (outer dynein arm docking complex subunit 1; minus strand). Cytogenetic location: 19q13.33.
Variant type: single nucleotide variant.
Coding change: c.1462C>T on transcript NM_001364171.2 (MANE Select); coding-DNA position 1462, C replaced by T.
Protein change: p.Leu488Phe; replaces leucine 488 with phenylalanine.
Molecular consequence: missense variant.
Genome position (GRCh38, 1-based): chr19:48,298,040, G>A on the plus strand (C>T on the coding strand, the complement: ODAD1 is on the minus strand). VCF-style: chr19-48298040-G-A. GRCh37 (hg19) VCF-style: chr19-48801297-G-A.
Other names: c.1351C>T, p.Leu451Phe (NM_144577.4); short protein forms L451F, L488F.
Identifiers: ClinVar variation 1045223 (VCV001045223.9), dbSNP rs1445643020, ClinGen allele CA406655393.

ClinVar aggregate classification (germline): Uncertain significance (1 of 4 stars; one submission).

Conditions:
Primary ciliary dyskinesia. Also called: Ciliary dyskinesia. Identifiers: Orphanet 244, MedGen C0008780, MONDO:0016575, HP:0012265.

Allele frequency attached by ClinVar (database versions not stated): gnomAD 0.00001; gnomAD exomes 0.00001; TOPMed 0.00001.

Submission:

Labcorp Genetics (formerly Invitae), Labcorp
Classification: Uncertain significance for Primary ciliary dyskinesia. Last evaluated: 2020-07-21. Review status: criteria provided, single submitter. Criteria: Invitae Variant Classification Sherloc (09022015). Collection method: clinical testing. Allele origin: germline.
Comment: In summary, the available evidence is currently insufficient to determine the role of this variant in disease. Therefore, it has been classified as a Variant of Uncertain Significance. Algorithms developed to predict the effect of missense changes on protein structure and function output the following: SIFT: "Tolerated"; PolyPhen-2: "Benign"; Align-GVGD: "Class C0". The phenylalanine amino acid residue is found in multiple mammalian species, suggesting that this missense change does not adversely affect protein function. These predictions have not been confirmed by published functional studies and their clinical significance is uncertain. This variant has not been reported in the literature in individuals with CCDC114-related conditions. This variant is not present in population databases (ExAC no frequency). This sequence change replaces leucine with phenylalanine at codon 451 of the CCDC114 protein (p.Leu451Phe). The leucine residue is moderately conserved and there is a small physicochemical difference between leucine and phenylalanine.